The following is an entry in ClinVar:

NM_000245.4(MET):c.1465G>A (p.Glu489Lys)

Gene: MET (MET proto-oncogene, receptor tyrosine kinase; plus strand). Cytogenetic location: 7q31.2.
Variant type: single nucleotide variant.
Coding change: c.1465G>A on transcript NM_000245.4 (MANE Select); coding-DNA position 1465, G replaced by A.
Protein change: p.Glu489Lys; replaces glutamic acid 489 with lysine.
Molecular consequence: missense variant.
Genome position (GRCh38, 1-based): chr7:116,740,022, G>A. VCF-style: chr7-116740022-G-A. GRCh37 (hg19) VCF-style: chr7-116380076-G-A.
Other names: c.1465G>A, p.Glu489Lys (NM_001127500.3, NM_001324401.3); c.175G>A, p.Glu59Lys (NM_001324402.2); short protein forms E489K, E59K.
Identifiers: ClinVar variation 944632 (VCV000944632.10), dbSNP rs1391853762, ClinGen allele CA368974148.
Genomic context (GRCh38, chr7:116,740,022, plus strand): 5'-CGATCAGGACCATCAACCCCTCATGTGAATTTTCTCCTGGACTCCCATCCAGTGTCTCCA[G>A]AAGTGATTGTGGAGCATACATTAAACCAAAATGGCTACACACTGGTTATCACTGGGAAGA-3'
Protein context (NP_000236.2, residues 479-499): FLLDSHPVSP[Glu489Lys]VIVEHTLNQN

ClinVar aggregate classification (germline): Uncertain significance. Review status: criteria provided, multiple submitters, no conflicts (2 of 4 stars). 2 submissions from 2 submitters: Uncertain significance (2). Last evaluated 2025-08-29.

Conditions:
Hereditary cancer-predisposing syndrome. Also called: Neoplastic Syndromes, Hereditary; Hereditary Cancer Syndrome; Tumor predisposition; Hereditary neoplastic syndrome. Identifiers: Orphanet 140162, MedGen C0027672, MeSH D009386, MONDO:0015356.
Renal cell carcinoma. Identifiers: Orphanet 217071, MedGen C0007134, MeSH D002292, MONDO:0005086, HP:0005584.

Allele frequency attached by ClinVar (database versions not stated): gnomAD exomes below 0.00001.
gnomAD v4.1: 1 of 1,614,120 alleles (0.000062%); highest among the groups gnomAD compares: Non-Finnish European, 0.000085%; no homozygotes.

Submissions (2):

Labcorp Genetics (formerly Invitae), Labcorp
Classification: Uncertain significance for Renal cell carcinoma. Last evaluated: 2025-08-29. Review status: criteria provided, single submitter. Criteria: Invitae Variant Classification Sherloc (09022015). Collection method: clinical testing. Allele origin: germline.
Comment: This sequence change replaces glutamic acid, which is acidic and polar, with lysine, which is basic and polar, at codon 489 of the MET protein (p.Glu489Lys). This variant is present in population databases (no rsID available, gnomAD 0.0009%). This variant has not been reported in the literature in individuals affected with MET-related conditions. ClinVar contains an entry for this variant (Variation ID: 944632). An algorithm developed to predict the effect of missense changes on protein structure and function (PolyPhen-2) suggests that this variant is likely to be disruptive. In summary, the available evidence is currently insufficient to determine the role of this variant in disease. Therefore, it has been classified as a Variant of Uncertain Significance.

Ambry Genetics
Classification: Uncertain significance for Hereditary cancer-predisposing syndrome. Last evaluated: 2024-03-15. Review status: criteria provided, single submitter. Criteria: Ambry Variant Classification Scheme 2023. Collection method: clinical testing. Allele origin: germline.
Comment: The p.E489K variant (also known as c.1465G>A), located in coding exon 3 of the MET gene, results from a G to A substitution at nucleotide position 1465. The glutamic acid at codon 489 is replaced by lysine, an amino acid with similar properties. This amino acid position is well conserved in available vertebrate species. In addition, this alteration is predicted to be tolerated by in silico analysis. Based on the available evidence, the clinical significance of this alteration remains unclear.